The following is an entry in ClinVar:

NM_000548.5(TSC2):c.423G>A (p.Glu141=)

Gene: TSC2 (TSC complex subunit 2; plus strand). Cytogenetic location: 16p13.3.
Variant type: single nucleotide variant.
Coding change: c.423G>A on transcript NM_000548.5 (MANE Select); coding-DNA position 423, G replaced by A.
Protein change: p.Glu141=; no amino-acid change (glutamic acid 141 retained).
Molecular consequence: synonymous variant. On other transcripts: 5 prime UTR variant (14), non-coding transcript variant (5), intron variant (6).
Genome position (GRCh38, 1-based): chr16:2,054,382, G>A. VCF-style: chr16-2054382-G-A. GRCh37 (hg19) VCF-style: chr16-2104383-G-A.
Other names: c.423G>A, p.Glu141= (NM_001077183.3, NM_001114382.3, NM_001363528.2 and 8 more transcripts); c.312G>A, p.Glu104= (NM_001318827.2, NM_001406670.1, NM_001406678.1); c.276G>A, p.Glu92= (NM_001318829.2, NM_001406675.1, NM_001406676.1 and 1 more transcripts); c.456G>A, p.Glu152= (NM_001318832.2); c.513G>A, p.Glu171= (NM_001406667.1, NM_001406668.1); c.366G>A, p.Glu122= (NM_001406677.1); c.-394G>A (NM_001406680.1, NM_001406683.1, NM_001406687.1); c.-23G>A (NM_001406681.1); and 6 more.
Identifiers: ClinVar variation 2098522 (VCV002098522.6), dbSNP rs2151042934, ClinGen allele CA492955509.
Genomic context (GRCh38, chr16:2,054,382, plus strand): 5'-CCTCTTCTTTAAGGTCATCAAGGATTACCCTTCCAACGAAGACCTTCACGAAAGGCTGGA[G>A]GTTTTCAAGGCCCTCACAGACAATGGGAGACACATCACCTACTTGGAGGAAGAGCTGGGT-3'
Protein context (NP_000539.2, residues 131-151): PSNEDLHERL[Glu141=]VFKALTDNGR

ClinVar aggregate classification (germline): Benign/Likely benign. Review status: criteria provided, multiple submitters, no conflicts (2 of 4 stars). 3 submissions from 3 submitters: Benign (1); Likely benign (2). Last evaluated 2026-05-04.

Conditions:
Hereditary cancer-predisposing syndrome. Also called: Neoplastic Syndromes, Hereditary; Tumor predisposition; Hereditary Cancer Syndrome; Hereditary neoplastic syndrome. Identifiers: Orphanet 140162, MedGen C0027672, MeSH D009386, MONDO:0015356.
Tuberous sclerosis 2 (TSC2). Identifiers: Orphanet 805, MedGen C1860707, MONDO:0013199, OMIM 613254.

Submissions (3):

Ambry Genetics
Classification: Likely benign for Hereditary cancer-predisposing syndrome. Last evaluated: 2026-05-04. Review status: criteria provided, single submitter. Criteria: Ambry Variant Classification Scheme 2023. Collection method: clinical testing. Allele origin: germline.

Myriad Genetics, Inc.
Classification: Benign for Tuberous sclerosis 2. Last evaluated: 2025-05-05. Review status: criteria provided, single submitter. Criteria: Myriad Autosomal Dominant, Autosomal Recessive and X-Linked Classification Criteria (2023). Collection method: clinical testing. Allele origin: unknown.
Comment: This variant is considered benign. This variant is a silent/synonymous amino acid change and it is not expected to impact splicing.

Labcorp Genetics (formerly Invitae), Labcorp
Classification: Likely benign for Tuberous sclerosis 2. Last evaluated: 2022-02-18. Review status: criteria provided, single submitter. Criteria: Invitae Variant Classification Sherloc (09022015). Collection method: clinical testing. Allele origin: germline.